The following is an entry in ClinVar:

NM_001164508.2(NEB):c.1031G>A (p.Ser344Asn)

Gene: NEB (nebulin; minus strand). Cytogenetic location: 2q23.3.
Variant type: single nucleotide variant.
Coding change: c.1031G>A on transcript NM_001164508.2 (MANE Select); coding-DNA position 1031, G replaced by A.
Protein change: p.Ser344Asn; replaces serine 344 with asparagine.
Molecular consequence: missense variant.
Genome position (GRCh38, 1-based): chr2:151,709,660, C>T on the plus strand (G>A on the coding strand, the complement: NEB is on the minus strand). VCF-style: chr2-151709660-C-T. GRCh37 (hg19) VCF-style: chr2-152566174-C-T.
Other names: c.1031G>A, p.Ser344Asn (NM_001164507.2, NM_001271208.2, NM_004543.5); c.1031G>A (NM_004543.4); short protein forms S344N.
Identifiers: ClinVar variation 1031953 (VCV001031953.2), dbSNP rs1224318643, ClinGen allele CA348785718.
Genomic context (GRCh38, chr2:151,709,660, plus strand): 5'-ATAAGAAATTTACCCACACTCAAACCATCAAGATAAATGGGATGATTTCCTCATACCTTG[C>T]TAGCTGCCACACCAGCTTTTTTATTCATTTTATACTCTGGTGTTTCGGTCTGCATGAAGT-3'
Protein context (NP_001157980.2, residues 334-354): KMNKKAGVAA[Ser344Asn]KVKYKEDYEK

ClinVar aggregate classification (germline): Uncertain significance. Review status: criteria provided, multiple submitters, no conflicts (2 of 4 stars). 2 submissions from 2 submitters: Uncertain significance (2). Last evaluated 2026-07-28.

Conditions:
Inborn genetic diseases. Identifiers: MedGen C0950123, MeSH D030342.
Nemaline myopathy 2 (NEM2). Also called: Nemaline myopathy 2, autosomal recessive. Identifiers: MedGen C1850569, MONDO:0009725, OMIM 256030.

gnomAD v4.1: 9 of 1,586,498 alleles (0.00057%); highest among the groups gnomAD compares: Non-Finnish European, 0.00077%; no homozygotes.

Submissions (2):

Ambry Genetics
Classification: Uncertain significance for Inborn genetic diseases. Last evaluated: 2026-07-28. Review status: criteria provided, single submitter. Criteria: Ambry Variant Classification Scheme 2023. Collection method: clinical testing. Allele origin: germline.

Baylor Genetics
Classification: Uncertain significance for Nemaline myopathy 2. Last evaluated: 2018-02-11. Review status: criteria provided, single submitter. Criteria: ACMG Guidelines, 2015. Collection method: clinical testing. Allele origin: paternal. Affected: yes.
Comment: This variant was determined to be of uncertain significance according to ACMG Guidelines, 2015 [PMID:25741868].